The following is an entry in ClinVar:

NM_000089.4(COL1A2):c.2081G>A (p.Gly694Asp)

Gene: COL1A2 (collagen type I alpha 2 chain; plus strand). Cytogenetic location: 7q21.3.
Variant type: single nucleotide variant.
Coding change: c.2081G>A on transcript NM_000089.4 (MANE Select); coding-DNA position 2081, G replaced by A.
Protein change: p.Gly694Asp; replaces glycine 694 with aspartic acid.
Molecular consequence: missense variant.
Genome position (GRCh38, 1-based): chr7:94,420,234, G>A. VCF-style: chr7-94420234-G-A. GRCh37 (hg19) VCF-style: chr7-94049546-G-A.
Other names: short protein forms G694D.
Identifiers: ClinVar variation 2136569 (VCV002136569.7), dbSNP rs2484725181, ClinGen allele CA368223209.

ClinVar aggregate classification (germline): Pathogenic. Review status: criteria provided, multiple submitters, no conflicts (2 of 4 stars). 4 submissions from 4 submitters: Pathogenic (4). Last evaluated 2026-01-12.

Conditions:
Osteogenesis imperfecta type III (OI3). Also called: Progressively Deforming Osteogenesis Imperfecta; Osteogenesis imperfecta type 3; OI type 3; Osteogenesis imperfecta, progressively deforming with normal sclerae; OI type III. Identifiers: Orphanet 216812, Orphanet 666, MedGen C0268362, MONDO:0009804, OMIM 259420.
Ehlers-Danlos syndrome, cardiac valvular type. Identifiers: Orphanet 230851, MedGen C4303789, MONDO:0009159, OMIM 225320.
Ehlers-Danlos syndrome, classic type, 1 (EDSCL1). Also called: Ehlers-Danlos Syndrome, Classic Type, COL5A1-Related; EHLERS-DANLOS SYNDROME, GRAVIS TYPE; EHLERS-DANLOS SYNDROME, SEVERE CLASSIC TYPE; Ehlers-Danlos syndrome, type 1; EDS I. Identifiers: MedGen C0268335, MONDO:0019567, OMIM 130000.
Osteogenesis imperfecta type I (OI1). Also called: OI, TYPE I; OSTEOGENESIS IMPERFECTA TARDA; OSTEOGENESIS IMPERFECTA WITH BLUE SCLERAE; Osteogenesis imperfecta type 1; Classic Non-deforming Osteogenesis Imperfecta with Blue Sclerae; Lobstein's Disease. Identifiers: Orphanet 216796, Orphanet 666, MedGen C0023931, MONDO:0008146, OMIM 166200. Disease mechanism: loss of function.

Submissions (4):

Labcorp Genetics (formerly Invitae), Labcorp
Classification: Pathogenic for Osteogenesis imperfecta type I; Ehlers-Danlos syndrome, classic type, 1. Last evaluated: 2026-01-12. Review status: criteria provided, single submitter. Criteria: Invitae Variant Classification Sherloc (09022015). Collection method: clinical testing. Allele origin: germline.
Comment: This sequence change replaces glycine, which is neutral and non-polar, with aspartic acid, which is acidic and polar, at codon 694 of the COL1A2 protein (p.Gly694Asp). This variant is not present in population databases (gnomAD no frequency). This missense change has been observed in individuals with autosomal dominant osteogenesis imperfecta (PMID: 27748872, 30715774). ClinVar contains an entry for this variant (Variation ID: 2136569). Experimental studies and prediction algorithms are not available or were not evaluated, and the functional significance of this variant is currently unknown. This variant disrupts the triple helix domain of COL1A2. Glycine residues within the Gly-Xaa-Yaa repeats of the triple helix domain are required for the structure and stability of fibrillar collagens (PMID: 7695699, 8218237, 19344236). In COL1A2, variants affecting these glycine residues are significantly enriched in individuals with disease (PMID: 9016532, 17078022) compared to the general population (ExAC). For these reasons, this variant has been classified as Pathogenic.

Women's Health and Genetics/Laboratory Corporation of America, LabCorp
Classification: Pathogenic for Ehlers-Danlos syndrome, cardiac valvular type. Last evaluated: 2025-12-26. Review status: criteria provided, single submitter. Criteria: LabCorp Variant Classification Summary - May 2015. Collection method: clinical testing. Allele origin: germline.
Comment: Variant summary: COL1A2 c.2081G>A (p.Gly694Asp) results in a non-conservative amino acid change within the triple-helical region (UniProt) of the encoded protein sequence. This missense variant disrupts a critical glycine residue at position 1 of a Gly-X-Y repeat in the collagenous domain of the collagen I alpha 2 chain, and variants affecting these glycine residues are significantly enriched in individuals with Osteogenesis imperfecta, type II (PMID: 3341380). Algorithms developed to predict the effect of missense changes on protein structure and function all suggest that this variant is likely to be disruptive. Consensus agreement among computation tools predict no significant impact on normal splicing. However, these predictions have yet to be confirmed by functional studies. The variant was absent in 250778 control chromosomes. c.2081G>A has been observed in individuals affected with Osteogenesis imperfecta and in at least one case, this variant has been detected as de novo (Zhang_2016, Mei_2022). These data indicate that the variant may be associated with disease. To our knowledge, no experimental evidence demonstrating an impact on protein function has been reported. The following publications have been ascertained in the context of this evaluation (PMID: 35909573, 27748872). ClinVar contains an entry for this variant (Variation ID: 2136569). Based on the evidence outlined above, the variant was classified as pathogenic.

Clinical Biomedical Laboratory, Shriners Hospital For Children - Canada
Classification: Pathogenic for Osteogenesis imperfecta type III. Last evaluated: 2025-07-16. Review status: criteria provided, single submitter. Criteria: ACMG Guidelines, 2015. Collection method: clinical testing. Allele origin: germline. Affected: yes.
Comment: This variant is predicted to substitute a glycine residue by an aspartic acid residue. Glycine substitutions in the triple helical domain of collagen type I alpha 2 chain cause disruption in the formation of the triple helix in the collagen molecule and are a typical cause of osteogenesis imperfecta. In the gnomAD v.2.1.1 database this variant is not present. Prediction tools: (REVEL: 0.99) suggest that the change is damaging to protein function.

GeneDx
Classification: Pathogenic. Last evaluated: 2023-08-16. Review status: criteria provided, single submitter. Criteria: GeneDx Variant Classification Process June 2021. Collection method: clinical testing. Allele origin: germline. Affected: yes.
Comment: Occurs in the triple helical domain and replaces a glycine in a canonical Gly-X-Y repeat; missense substitution of a canonical glycine residue is expected to disrupt normal protein folding and function, and this is an established mechanism of disease (Jovanovic et al., 2021); Not observed at significant frequency in large population cohorts (gnomAD); In silico analysis supports that this missense variant has a deleterious effect on protein structure/function; This variant is associated with the following publications: (PMID: 34007986, 27748872, 30715774, 35909573)

Literature cited by the submitters: PubMed 27748872 (cited by Labcorp Genetics (formerly Invitae), Labcorp and Women's Health and Genetics/Laboratory Corporation of America, LabCorp); PubMed 30715774 (cited by Labcorp Genetics (formerly Invitae), Labcorp); PubMed 7695699 (cited by Labcorp Genetics (formerly Invitae), Labcorp); PubMed 8218237 (cited by Labcorp Genetics (formerly Invitae), Labcorp); PubMed 19344236 (cited by Labcorp Genetics (formerly Invitae), Labcorp); PubMed 9016532 (cited by Labcorp Genetics (formerly Invitae), Labcorp); PubMed 17078022 (cited by Labcorp Genetics (formerly Invitae), Labcorp); PubMed 35909573 (cited by Women's Health and Genetics/Laboratory Corporation of America, LabCorp).